The following is an entry in ClinVar:

ClinVar aggregate classification (germline): Uncertain significance (1 of 4 stars; one submission).

Conditions:
DICER1-related tumor predisposition. Also called: DICER1-related pleuropulmonary blastoma cancer predisposition syndrome; DICER1 syndrome. Identifiers: Orphanet 284343, MedGen C3839822, MONDO:0100216.

Submission:

Labcorp Genetics (formerly Invitae), Labcorp
Classification: Uncertain significance for DICER1-related tumor predisposition. Last evaluated: 2021-02-15. Review status: criteria provided, single submitter. Criteria: Invitae Variant Classification Sherloc (09022015). Collection method: clinical testing. Allele origin: germline.
Comment: In summary, the available evidence is currently insufficient to determine the role of this variant in disease. Therefore, it has been classified as a Variant of Uncertain Significance. Algorithms developed to predict the effect of missense changes on protein structure and function are either unavailable or do not agree on the potential impact of this missense change (SIFT: "Tolerated"; PolyPhen-2: "Probably Damaging"; Align-GVGD: "Class C0"). This variant has not been reported in the literature in individuals with DICER1-related conditions. This variant is not present in population databases (ExAC no frequency). This sequence change replaces serine with glycine at codon 1056 of the DICER1 protein (p.Ser1056Gly). The serine residue is highly conserved and there is a small physicochemical difference between serine and glycine.

NM_177438.3(DICER1):c.3166A>G (p.Ser1056Gly)

Gene: DICER1 (dicer 1, ribonuclease III; minus strand). Cytogenetic location: 14q32.13.
Variant type: single nucleotide variant.
Coding change: c.3166A>G on transcript NM_177438.3 (MANE Select); coding-DNA position 3166, A replaced by G.
Protein change: p.Ser1056Gly; replaces serine 1056 with glycine.
Molecular consequence: missense variant.
Genome position (GRCh38, 1-based): chr14:95,105,174, T>C on the plus strand (A>G on the coding strand, the complement: DICER1 is on the minus strand). VCF-style: chr14-95105174-T-C. GRCh37 (hg19) VCF-style: chr14-95571511-T-C.
Other names: c.3166A>G, p.Ser1056Gly (NM_001195573.1, NM_001271282.3, NM_001291628.2 and 1 more transcripts); short protein forms S1056G.
Identifiers: ClinVar variation 1368245 (VCV001368245.9), dbSNP rs2139987415, ClinGen allele CA390876687.